The following is an entry in ClinVar:

ClinVar aggregate classification (germline): Pathogenic (1 of 4 stars; one submission).

Conditions:
Brachyolmia-amelogenesis imperfecta syndrome. Also called: PLATYSPONDYLY WITH AMELOGENESIS IMPERFECTA; Tooth agenesis, selective, 6; Dental anomalies and short stature. Identifiers: Orphanet 2899, MedGen C1832594, MONDO:0011018, OMIM 601216. Disease mechanism: loss of function.

Submission:

Labcorp Genetics (formerly Invitae), Labcorp
Classification: Pathogenic for Brachyolmia-amelogenesis imperfecta syndrome. Last evaluated: 2023-06-09. Review status: criteria provided, single submitter. Criteria: Invitae Variant Classification Sherloc (09022015). Collection method: clinical testing. Allele origin: germline.
Comment: For these reasons, this variant has been classified as Pathogenic. This variant has not been reported in the literature in individuals affected with LTBP3-related conditions. This variant is not present in population databases (gnomAD no frequency). This sequence change creates a premature translational stop signal (p.Ala777Argfs*91) in the LTBP3 gene. It is expected to result in an absent or disrupted protein product. Loss-of-function variants in LTBP3 are known to be pathogenic (PMID: 11790802, 19344874, 25669657).

Literature cited by the submitters: PubMed 11790802; PubMed 19344874; PubMed 25669657.

NM_001130144.3(LTBP3):c.2328del (p.Ala777fs)

Genes: LTBP3 (latent transforming growth factor beta binding protein 3; minus strand), LOC130006029 (ATAC-STARR-seq lymphoblastoid silent region 3532; plus strand). Cytogenetic location: 11q13.1.
Variant type: Deletion.
Coding change: c.2328del on transcript NM_001130144.3 (MANE Select); coding-DNA position 2328, one base deleted (C; older notation c.2328delC).
Protein change: p.Ala777fs; shifts the reading frame from alanine 777.
Molecular consequence: frameshift variant.
Genome position (GRCh38, 1-based): chr11:65,546,467, G deleted on the plus strand (C on the coding strand, the reverse complement: LTBP3 is on the minus strand); the first of 3 consecutive G bases (chr11:65,546,467-65,546,469); deleting any one gives the same sequence. VCF-style (leftmost placement, unchanged base first): chr11-65546466-CG-C. GRCh37 (hg19) VCF-style: chr11-65313937-CG-C.
Other names: c.1977del, p.Ala660fs (NM_001164266.1); c.2328del, p.Ala777fs (NM_021070.4); short protein forms A660fs, A777fs.
Identifiers: ClinVar variation 2849956 (VCV002849956.3), dbSNP rs2496147524, ClinGen allele CA2739270500.